The following is an entry in ClinVar:

ClinVar aggregate classification (germline): Uncertain significance (1 of 4 stars; one submission).

Conditions:
Joubert syndrome. Also called: JOUBERT-BOLTSHAUSER SYNDROME; Familial aplasia of the vermis. Identifiers: Orphanet 475, MedGen C5979921, MONDO:0018772.
Meckel-Gruber syndrome. Also called: DYSENCEPHALIA SPLANCHNOCYSTICA; GRUBER SYNDROME; Dysencephalia splachnocystica. Identifiers: Orphanet 564, MedGen C0265215, MONDO:0018921.

Allele frequency attached by ClinVar (database versions not stated): gnomAD exomes below 0.00001; TOPMed below 0.00001.
gnomAD v4.1: 1 of 1,600,840 alleles (0.000062%); highest among the groups gnomAD compares: Non-Finnish European, 0.000085%; no homozygotes.

Submission:

Labcorp Genetics (formerly Invitae), Labcorp
Classification: Uncertain significance for Joubert syndrome; Meckel-Gruber syndrome. Last evaluated: 2022-02-22. Review status: criteria provided, single submitter. Criteria: Invitae Variant Classification Sherloc (09022015). Collection method: clinical testing. Allele origin: germline.
Comment: This sequence change replaces proline, which is neutral and non-polar, with arginine, which is basic and polar, at codon 201 of the CC2D2A protein (p.Pro201Arg). This variant is not present in population databases (gnomAD no frequency). This variant has not been reported in the literature in individuals affected with CC2D2A-related conditions. Algorithms developed to predict the effect of missense changes on protein structure and function are either unavailable or do not agree on the potential impact of this missense change (SIFT: "Tolerated"; PolyPhen-2: "Probably Damaging"; Align-GVGD: "Class C0"). In summary, the available evidence is currently insufficient to determine the role of this variant in disease. Therefore, it has been classified as a Variant of Uncertain Significance.

NM_001378615.1(CC2D2A):c.602C>G (p.Pro201Arg)

Genes: CC2D2A (coiled-coil and C2 domain containing 2A; plus strand), FBXL5 (F-box and leucine rich repeat protein 5; minus strand). Cytogenetic location: 4p15.32.
Variant type: single nucleotide variant.
Coding change: c.602C>G on transcript NM_001378615.1 (MANE Select); coding-DNA position 602, C replaced by G.
Protein change: p.Pro201Arg; replaces proline 201 with arginine.
Molecular consequence: missense variant.
Genome position (GRCh38, 1-based): chr4:15,511,308, C>G. VCF-style: chr4-15511308-C-G. GRCh37 (hg19) VCF-style: chr4-15512931-C-G.
Other names: c.602C>G, p.Pro201Arg (NM_001080522.2); c.455C>G, p.Pro152Arg (NM_001378617.1); short protein forms P201R, P152R.
Identifiers: ClinVar variation 2102045 (VCV002102045.4), dbSNP rs1560157734, ClinGen allele CA356408851.
Genomic context (GRCh38, chr4:15,511,308, plus strand): 5'-TTCCACCTGGCTTCCCTTCTGCAGAAGAGGCCTATAACTTCTTTACTTTCAACTTTGATC[C>G]CGAACCAGAAGGATCAGAGGAAAAACCAAAAGCAAGACATAGAGCGGGAACTAATCAAGA-3'
Protein context (NP_001365544.1, residues 191-211): AYNFFTFNFD[Pro201Arg]EPEGSEEKPK